The following is an entry in ClinVar:

ClinVar aggregate classification (germline): Likely pathogenic. Review status: criteria provided, single submitter (1 of 4 stars). 2 submissions from 2 submitters: Likely pathogenic (1). 1 of the submissions does not count toward it. Last evaluated 2022-08-15.

Conditions:
Long-Olsen-Distelmaier syndrome. Also called: Long-Olsen syndrome. Identifiers: MedGen C5882721, MONDO:0957960, OMIM 620609.

Submissions (2):

Centre of Medical Genetics, University Hospital Muenster
Classification: Likely pathogenic. Last evaluated: 2022-08-15. Review status: criteria provided, single submitter. Criteria: ACMG Guidelines, 2015. Collection method: clinical testing. Allele origin: de novo. Affected: yes. Observed: 1 variant allele, 1 heterozygote.
Comment: ACMG categories: PS2,PM2

OMIM
Classification: Pathogenic for LONG-OLSEN-DISTELMAIER SYNDROME. Last evaluated: 2025-03-07. Review status: no assertion criteria provided. Collection method: literature only. Allele origin: germline. Not counted in ClinVar's aggregate classification.

Literature cited by the submitters: PubMed 37057673 (cited by OMIM).

NM_022157.4(RRAGC):c.343T>C (p.Trp115Arg)

Gene: RRAGC (Ras related GTP binding C; minus strand). Cytogenetic location: 1p34.3.
Variant type: single nucleotide variant.
Coding change: c.343T>C on transcript NM_022157.4 (MANE Select); coding-DNA position 343, T replaced by C.
Protein change: p.Trp115Arg; replaces tryptophan 115 with arginine.
Molecular consequence: missense variant.
Genome position (GRCh38, 1-based): chr1:38,856,977, A>G on the plus strand (T>C on the coding strand, the complement: RRAGC is on the minus strand). VCF-style: chr1-38856977-A-G. GRCh37 (hg19) VCF-style: chr1-39322649-A-G.
Other names: c.241T>C, p.Trp81Arg (NM_001271851.2); short protein forms W115R, W81R.
Identifiers: ClinVar variation 2430326 (VCV002430326.5), dbSNP rs2544855616, ClinGen allele CA339758556.